The following is an entry in ClinVar:

ClinVar aggregate classification (germline): Uncertain significance (1 of 4 stars; one submission).

Allele frequency attached by ClinVar (database versions not stated): ExAC 0.00001; gnomAD 0.00001; gnomAD exomes 0.00001; TOPMed 0.00002; ESP Exome Variant Server 0.00008.
gnomAD v4.1: 25 of 1,613,940 alleles (0.0015%); highest among the groups gnomAD compares: Admixed American, 0.0033%; no homozygotes.

Submission:

Women's Health and Genetics/Laboratory Corporation of America, LabCorp
Classification: Uncertain significance. Last evaluated: 2022-05-24. Review status: criteria provided, single submitter. Criteria: LabCorp Variant Classification Summary - May 2015. Collection method: clinical testing. Allele origin: germline.
Comment: Variant summary: KMT2C c.6115G>C (p.Gly2039Arg) results in a non-conservative amino acid change in the encoded protein sequence. Three of five in-silico tools predict a benign effect of the variant on protein function. The variant allele was found at a frequency of 8e-06 in 251194 control chromosomes. The available data on variant occurrences in the general population are insufficient to allow any conclusion about variant significance. To our knowledge, no occurrence of c.6115G>C in individuals affected with Kleefstra Syndrome 2 and no experimental evidence demonstrating its impact on protein function have been reported. No clinical diagnostic laboratories have submitted clinical-significance assessments for this variant to ClinVar after 2014. Based on the evidence outlined above, the variant was classified as uncertain significance.

NM_170606.3(KMT2C):c.6115G>C (p.Gly2039Arg)

Gene: KMT2C (lysine methyltransferase 2C; minus strand). Cytogenetic location: 7q36.1.
Variant type: single nucleotide variant.
Coding change: c.6115G>C on transcript NM_170606.3 (MANE Select); coding-DNA position 6115, G replaced by C.
Protein change: p.Gly2039Arg; replaces glycine 2039 with arginine.
Molecular consequence: missense variant.
Genome position (GRCh38, 1-based): chr7:152,181,745, C>G on the plus strand (G>C on the coding strand, the complement: KMT2C is on the minus strand). VCF-style: chr7-152181745-C-G. GRCh37 (hg19) VCF-style: chr7-151878830-C-G.
Other names: short protein forms G2039R.
Identifiers: ClinVar variation 1696028 (VCV001696028.1), dbSNP rs376573154, ClinGen allele CA4580132.